The following is an entry in ClinVar:

ClinVar aggregate classification (germline): Conflicting classifications of pathogenicity. Review status: criteria provided, conflicting classifications (1 of 4 stars). 5 submissions from 5 submitters: Uncertain significance (2); Likely benign (3). Last evaluated 2026-03-14.

Conditions:
Cardiovascular phenotype. Identifiers: MedGen CN230736.
Familial hypobetalipoproteinemia 1. Also called: Hypobetalipoproteinemia, normotriglyceridemic; Acanthocytosis with hypobetalipoproteinemia; APOB-Related Familial Hypobetalipoproteinemia. Identifiers: MedGen C4551990, MONDO:0014252, OMIM 615558.
Hypercholesterolemia, autosomal dominant, type B (FHCL2). Also called: Hyperlipoproteinemia Type IIb; Familial Hypercholesterolemia Type B; APOLIPOPROTEIN B-100, FAMILIAL DEFECTIVE; APOLIPOPROTEIN B-100, FAMILIAL LIGAND-DEFECTIVE; Familial hypercholesterolemia 2; HYPERCHOLESTEROLEMIA, FAMILIAL, DUE TO LIGAND-DEFECTIVE APOLIPOPROTEIN B. Identifiers: MedGen C1704417, MONDO:0007751, OMIM 144010.

Allele frequency attached by ClinVar (database versions not stated): ExAC 0.00002; gnomAD exomes 0.00002 and 0.00005; TOPMed 0.00004; gnomAD 0.00005 and 0.00007; ESP Exome Variant Server 0.00008.
gnomAD v4.1: 79 of 1,613,964 alleles (0.0049%); highest among the groups gnomAD compares: Middle Eastern, 0.033%; no homozygotes.

Submissions (5):

GeneDx
Classification: Uncertain significance. Last evaluated: 2026-03-14. Review status: criteria provided, single submitter. Criteria: GeneDx Variant Classification Process June 2021. Collection method: clinical testing. Allele origin: germline.
Comment: In silico analysis suggests that this missense variant does not alter protein structure/function; Has not been previously published as pathogenic or benign to our knowledge

Labcorp Genetics (formerly Invitae), Labcorp
Classification: Likely benign for Familial hypobetalipoproteinemia 1; Hypercholesterolemia, autosomal dominant, type B. Last evaluated: 2025-11-24. Review status: criteria provided, single submitter. Criteria: Invitae Variant Classification Sherloc (09022015). Collection method: clinical testing. Allele origin: germline.

Quest Diagnostics Nichols Institute San Juan Capistrano
Classification: Uncertain significance. Last evaluated: 2023-10-12. Review status: criteria provided, single submitter. Criteria: Quest Diagnostics criteria. Collection method: clinical testing. Allele origin: unknown.

Ambry Genetics
Classification: Likely benign for Cardiovascular phenotype. Last evaluated: 2020-02-06. Review status: criteria provided, single submitter. Criteria: Ambry Variant Classification Scheme 2023. Collection method: clinical testing. Allele origin: germline.

Breakthrough Genomics
Classification: Likely benign. Review status: criteria provided, single submitter. Criteria: ACMG Guidelines, 2015. Collection method: not provided. Allele origin: germline. Inheritance: Autosomal recessive inheritance. Affected: yes.

Literature cited by the submitters: PubMed 34707284 (cited by Quest Diagnostics Nichols Institute San Juan Capistrano).

NM_000384.3(APOB):c.1295T>C (p.Met432Thr)

Gene: APOB (apolipoprotein B; minus strand). Cytogenetic location: 2p24.1.
Variant type: single nucleotide variant.
Coding change: c.1295T>C on transcript NM_000384.3 (MANE Select); coding-DNA position 1295, T replaced by C.
Protein change: p.Met432Thr; replaces methionine 432 with threonine.
Molecular consequence: missense variant.
Genome position (GRCh38, 1-based): chr2:21,032,411, A>G on the plus strand (T>C on the coding strand, the complement: APOB is on the minus strand). VCF-style: chr2-21032411-A-G. GRCh37 (hg19) VCF-style: chr2-21255283-A-G.
Other names: short protein forms M432T.
Identifiers: ClinVar variation 630354 (VCV000630354.12), dbSNP rs371145776, ClinGen allele CA051549.